The following is an entry in ClinVar:

NM_207421.4(PADI6):c.879G>A (p.Leu293=)

Gene: PADI6 (peptidyl arginine deiminase 6; plus strand). Cytogenetic location: 1p36.13.
Variant type: single nucleotide variant.
Coding change: c.879G>A on transcript NM_207421.4 (MANE Select); coding-DNA position 879, G replaced by A.
Protein change: p.Leu293=; no amino-acid change (leucine 293 retained).
Molecular consequence: synonymous variant.
Genome position (GRCh38, 1-based): chr1:17,388,797, G>A. VCF-style: chr1-17388797-G-A. GRCh37 (hg19) VCF-style: chr1-17715292-G-A.
Identifiers: ClinVar variation 3054283 (VCV003054283.2), dbSNP rs367811280, ClinGen allele CA641546.

ClinVar aggregate classification (germline): Likely benign (0 of 4 stars; one submission).

Conditions:
PADI6-related disorder. Also called: PADI6-related condition.

Allele frequency attached by ClinVar (database versions not stated): 1000 Genomes Project 0.00060; 1000 Genomes Project 30x 0.00062; TOPMed 0.00063; ESP Exome Variant Server 0.00089.
gnomAD v4.1: 207 of 1,613,704 alleles (0.013%); highest among the groups gnomAD compares: African/African-American, 0.25%; no homozygotes.

Submission:

PreventionGenetics, part of Exact Sciences
Classification: Likely benign for PADI6-related condition. Last evaluated: 2021-03-02. Review status: no assertion criteria provided. Collection method: clinical testing. Allele origin: germline.
Comment: This variant is classified as likely benign based on ACMG/AMP sequence variant interpretation guidelines (Richards et al. 2015 PMID: 25741868, with internal and published modifications).